The following is an entry in ClinVar:

NM_021100.5(NFS1):c.1220+63C>G

Gene: NFS1 (NFS1 cysteine desulfurase; minus strand). Cytogenetic location: 20q11.22.
Variant type: single nucleotide variant.
Coding change: c.1220+63C>G on transcript NM_021100.5 (MANE Select); 63 bases into the intron after coding-DNA position 1220, C replaced by G.
Molecular consequence: intron variant.
Genome position (GRCh38, 1-based): chr20:35,673,538, G>C on the plus strand (C>G on the coding strand, the complement: NFS1 is on the minus strand). VCF-style: chr20-35673538-G-C. GRCh37 (hg19) VCF-style: chr20-34261460-G-C.
Other names: c.1067+63C>G (NM_001198989.2).
Identifiers: ClinVar variation 676831 (VCV000676831.2), dbSNP rs75669175, ClinGen allele CA14839046.
Genomic context (GRCh38, chr20:35,673,538, plus strand): 5'-TGAGAAGAGATAAGGAGAACTCGACTGAGAAAAACTTCAGGGTGGAAAAAGAAAAAAACT[G>C]TAACAGGAGATGAAAAATATAAGAGGATGCCTTTCATAAATGTTGCAGCTCAACTCACTG-3'

ClinVar aggregate classification (germline): Benign. Review status: criteria provided, multiple submitters, no conflicts (2 of 4 stars). 2 submissions from 2 submitters: Benign (2). Last evaluated 2018-06-14.

Allele frequency attached by ClinVar (database versions not stated): gnomAD 0.02714; TOPMed 0.02900; 1000 Genomes Project 0.03275; 1000 Genomes Project 30x 0.03357.
gnomAD v4.1: 7,650 of 1,417,602 alleles (0.54%); highest among the groups gnomAD compares: African/African-American, 9.4%; 345 homozygotes.

Submissions (2):

GeneDx
Classification: Benign. Last evaluated: 2018-06-14. Review status: criteria provided, single submitter. Criteria: GeneDx Variant Classification (06012015). Collection method: clinical testing. Allele origin: germline. Affected: yes.
Comment: This variant is considered likely benign or benign based on one or more of the following criteria: it is a conservative change, it occurs at a poorly conserved position in the protein, it is predicted to be benign by multiple in silico algorithms, and/or has population frequency not consistent with disease.

Breakthrough Genomics
Classification: Benign. Review status: criteria provided, single submitter. Criteria: ACMG Guidelines, 2015. Collection method: not provided. Allele origin: germline. Inheritance: Autosomal recessive inheritance. Affected: yes.